The following is an entry in ClinVar:

NM_001330078.2(NRXN1):c.44G>A (p.Cys15Tyr)

Gene: NRXN1 (neurexin 1; minus strand). Cytogenetic location: 2p16.3.
Variant type: single nucleotide variant.
Coding change: c.44G>A on transcript NM_001330078.2 (MANE Select); coding-DNA position 44, G replaced by A.
Protein change: p.Cys15Tyr; replaces cysteine 15 with tyrosine.
Molecular consequence: missense variant.
Genome position (GRCh38, 1-based): chr2:51,028,230, C>T on the plus strand (G>A on the coding strand, the complement: NRXN1 is on the minus strand). VCF-style: chr2-51028230-C-T. GRCh37 (hg19) VCF-style: chr2-51255368-C-T.
Other names: c.44G>A, p.Cys15Tyr (NM_001330085.2, NM_001330086.2, NM_001330087.2 and 15 more transcripts); short protein forms C15Y.
Identifiers: ClinVar variation 2725914 (VCV002725914.3), dbSNP rs1670927864, ClinGen allele CA346824826.

ClinVar aggregate classification (germline): Uncertain significance (1 of 4 stars; one submission).

Conditions:
Pitt-Hopkins-like syndrome 2 (PTHSL2). Identifiers: Orphanet 221150, Orphanet 600663, MedGen C3280479, MONDO:0013690, OMIM 614325.

Allele frequency attached by ClinVar (database versions not stated): gnomAD exomes below 0.00001; TOPMed below 0.00001.
gnomAD v4.1: 2 of 1,474,402 alleles (0.00014%); highest among the groups gnomAD compares: Non-Finnish European, 0.000089%; no homozygotes.

Submission:

Labcorp Genetics (formerly Invitae), Labcorp
Classification: Uncertain significance for Pitt-Hopkins-like syndrome 2. Last evaluated: 2025-04-17. Review status: criteria provided, single submitter. Criteria: Invitae Variant Classification Sherloc (09022015). Collection method: clinical testing. Allele origin: germline.
Comment: This sequence change replaces cysteine, which is neutral and slightly polar, with tyrosine, which is neutral and polar, at codon 15 of the NRXN1 protein (p.Cys15Tyr). This variant is not present in population databases (gnomAD no frequency). This variant has not been reported in the literature in individuals affected with NRXN1-related conditions. ClinVar contains an entry for this variant (Variation ID: 2725914). An algorithm developed to predict the effect of missense changes on protein structure and function (PolyPhen-2) suggests that this variant is likely to be tolerated. In summary, the available evidence is currently insufficient to determine the role of this variant in disease. Therefore, it has been classified as a Variant of Uncertain Significance.